The following is an entry in ClinVar:

NM_015602.4(TOR1AIP1):c.852A>C (p.Gln284His)

Gene: TOR1AIP1 (torsin 1A interacting protein 1; plus strand). Cytogenetic location: 1q25.2.
Variant type: single nucleotide variant.
Coding change: c.852A>C on transcript NM_015602.4 (MANE Select); coding-DNA position 852, A replaced by C.
Protein change: p.Gln284His; replaces glutamine 284 with histidine.
Molecular consequence: missense variant.
Genome position (GRCh38, 1-based): chr1:179,908,618, A>C. VCF-style: chr1-179908618-A-C. GRCh37 (hg19) VCF-style: chr1-179877753-A-C.
Other names: c.855A>C, p.Gln285His (NM_001267578.2); short protein forms Q284H, Q285H.
Identifiers: ClinVar variation 842176 (VCV000842176.2), dbSNP rs775959429, ClinGen allele CA343569115.

ClinVar aggregate classification (germline): Uncertain significance (1 of 4 stars; one submission).

Conditions:
Autosomal recessive limb-girdle muscular dystrophy type 2Y (MRRSDC). Also called: Muscular dystrophy, limb-girdle, type 2y; Muscular dystrophy, autosomal recessive, with rigid spine and distal joint contractures. Identifiers: Orphanet 424261, MedGen C4511482, MONDO:0014900, OMIM 617072.

Submission:

Labcorp Genetics (formerly Invitae), Labcorp
Classification: Uncertain significance for Autosomal recessive limb-girdle muscular dystrophy type 2Y. Last evaluated: 2019-12-18. Review status: criteria provided, single submitter. Criteria: Invitae Variant Classification Sherloc (09022015). Collection method: clinical testing. Allele origin: germline.
Comment: This sequence change replaces glutamine with histidine at codon 285 of the TOR1AIP1 protein (p.Gln285His). The glutamine residue is weakly conserved and there is a small physicochemical difference between glutamine and histidine. This variant is not present in population databases (ExAC no frequency). This variant has not been reported in the literature in individuals with TOR1AIP1-related conditions. Algorithms developed to predict the effect of missense changes on protein structure and function output the following: SIFT: Tolerated; PolyPhen-2: Probably Damaging; Align-GVGD: Class C0. The histidine amino acid residue is found in multiple mammalian species, suggesting that this missense change does not adversely affect protein function. These predictions have not been confirmed by published functional studies and their clinical significance is uncertain. In summary, the available evidence is currently insufficient to determine the role of this variant in disease. Therefore, it has been classified as a Variant of Uncertain Significance.